The following is an entry in ClinVar:

NM_002230.4(JUP):c.1028G>A (p.Ser343Asn)

Gene: JUP (junction plakoglobin; minus strand). Cytogenetic location: 17q21.2.
Variant type: single nucleotide variant.
Coding change: c.1028G>A on transcript NM_002230.4 (MANE Select); coding-DNA position 1028, G replaced by A.
Protein change: p.Ser343Asn; replaces serine 343 with asparagine.
Molecular consequence: missense variant.
Genome position (GRCh38, 1-based): chr17:41,764,949, C>T on the plus strand (G>A on the coding strand, the complement: JUP is on the minus strand). VCF-style: chr17-41764949-C-T. GRCh37 (hg19) VCF-style: chr17-39921201-C-T.
Other names: c.1028G>A (NM_002230.2); c.1028G>A, p.Ser343Asn (NM_001352773.2, NM_001352774.2, NM_001352775.2 and 3 more transcripts); short protein forms S343N.
Identifiers: ClinVar variation 1461196 (VCV001461196.11), dbSNP rs1597808088, ClinGen allele CA399499290.

ClinVar aggregate classification (germline): Uncertain significance. Review status: criteria provided, multiple submitters, no conflicts (2 of 4 stars). 3 submissions from 3 submitters: Uncertain significance (3). Last evaluated 2025-12-09.

Conditions:
Naxos disease (NXD). Also called: CARDIOMYOPATHY, ARRHYTHMOGENIC RIGHT VENTRICULAR, WITH SKIN, HAIR, AND NAIL ABNORMALITIES; PALMOPLANTAR KERATODERMA WITH ARRHYTHMOGENIC RIGHT VENTRICULAR CARDIOMYOPATHY AND WOOLLY HAIR; WOOLLY HAIR, PALMOPLANTAR KERATODERMA, AND CARDIAC ABNORMALITIES; KERATOSIS PALMOPLANTARIS WITH ARRHYTHMOGENIC CARDIOMYOPATHY; MAL DE NAXOS. Identifiers: Orphanet 34217, MedGen C1832600, MONDO:0011017, OMIM 601214.
Arrhythmogenic right ventricular dysplasia 12. Also called: ARRHYTHMOGENIC RIGHT VENTRICULAR DYSPLASIA, FAMILIAL, 12. Identifiers: MedGen C1969081, MONDO:0012684, OMIM 611528.

Allele frequency attached by ClinVar (database versions not stated): gnomAD exomes below 0.00001.
gnomAD v4.1: 6 of 1,614,182 alleles (0.00037%); highest among the groups gnomAD compares: Middle Eastern, 0.033%; no homozygotes.

Submissions (3):

Labcorp Genetics (formerly Invitae), Labcorp
Classification: Uncertain significance for Arrhythmogenic right ventricular dysplasia 12; Naxos disease. Last evaluated: 2025-12-09. Review status: criteria provided, single submitter. Criteria: Invitae Variant Classification Sherloc (09022015). Collection method: clinical testing. Allele origin: germline.
Comment: This sequence change replaces serine, which is neutral and polar, with asparagine, which is neutral and polar, at codon 343 of the JUP protein (p.Ser343Asn). This variant is not present in population databases (gnomAD no frequency). This variant has not been reported in the literature in individuals affected with JUP-related conditions. ClinVar contains an entry for this variant (Variation ID: 1461196). An algorithm developed to predict the effect of missense changes on protein structure and function outputs the following: PolyPhen-2: "Benign". The asparagine amino acid residue is found in multiple mammalian species, which suggests that this missense change does not adversely affect protein function. In summary, the available evidence is currently insufficient to determine the role of this variant in disease. Therefore, it has been classified as a Variant of Uncertain Significance.

Clinical Genetics Laboratory, Skane University Hospital Lund
Classification: Uncertain significance. Last evaluated: 2022-05-27. Review status: criteria provided, single submitter. Criteria: ACMG Guidelines, 2015. Collection method: clinical testing. Allele origin: germline. Affected: yes.

Revvity Omics, Revvity
Classification: Uncertain significance. Last evaluated: 2019-07-26. Review status: criteria provided, single submitter. Criteria: ACMG Guidelines, 2015. Collection method: clinical testing. Allele origin: germline.